The following is an entry in ClinVar:

ClinVar aggregate classification (germline): Uncertain significance (1 of 4 stars; one submission).

Conditions:
Cardiovascular phenotype. Identifiers: MedGen CN230736.
Hereditary cancer-predisposing syndrome. Also called: Tumor predisposition; Hereditary neoplastic syndrome; Neoplastic Syndromes, Hereditary; Hereditary Cancer Syndrome. Identifiers: Orphanet 140162, MedGen C0027672, MeSH D009386, MONDO:0015356.

Submission:

Ambry Genetics
Classification: Uncertain significance for Cardiovascular phenotype; Hereditary cancer-predisposing syndrome. Last evaluated: 2025-05-09. Review status: criteria provided, single submitter. Criteria: Ambry Variant Classification Scheme 2023. Collection method: clinical testing. Allele origin: germline.
Comment: The p.N2360I variant (also known as c.7079A>T), located in coding exon 47 of the NF1 gene, results from an A to T substitution at nucleotide position 7079. The asparagine at codon 2360 is replaced by isoleucine, an amino acid with dissimilar properties. This amino acid position is conserved. In addition, the in silico prediction for this alteration is inconclusive. Based on the available evidence, the clinical significance of this variant remains unclear.

NM_001042492.3(NF1):c.7142A>T (p.Asn2381Ile)

Gene: NF1 (neurofibromin 1; plus strand). Cytogenetic location: 17q11.2.
Variant type: single nucleotide variant.
Coding change: c.7142A>T on transcript NM_001042492.3 (MANE Select); coding-DNA position 7142, A replaced by T.
Protein change: p.Asn2381Ile; replaces asparagine 2381 with isoleucine.
Molecular consequence: missense variant.
Genome position (GRCh38, 1-based): chr17:31,343,088, A>T. VCF-style: chr17-31343088-A-T. GRCh37 (hg19) VCF-style: chr17-29670106-A-T.
Other names: c.7079A>T, p.Asn2360Ile (NM_000267.4); short protein forms N2360I, N2381I.
Identifiers: ClinVar variation 4028485 (VCV004028485.1).